The following is an entry in ClinVar:

NM_012434.5(SLC17A5):c.10C>G (p.Pro4Ala)

Genes: SLC17A5 (solute carrier family 17 member 5; minus strand), LOC129996727 (ATAC-STARR-seq lymphoblastoid silent region 17338; plus strand). Cytogenetic location: 6q13.
Variant type: single nucleotide variant.
Coding change: c.10C>G on transcript NM_012434.5 (MANE Select); coding-DNA position 10, C replaced by G.
Protein change: p.Pro4Ala; replaces proline 4 with alanine.
Molecular consequence: missense variant. On other transcripts: 5 prime UTR variant (2).
Genome position (GRCh38, 1-based): chr6:73,653,877, G>C on the plus strand (C>G on the coding strand, the complement: SLC17A5 is on the minus strand). VCF-style: chr6-73653877-G-C. GRCh37 (hg19) VCF-style: chr6-74363600-G-C.
Other names: c.-25C>G (NM_001382629.1, NM_001382636.1); c.10C>G, p.Pro4Ala (NM_001382630.1, NM_001382631.1, NM_001382632.1 and 3 more transcripts); short protein forms P4A.
Identifiers: ClinVar variation 1993868 (VCV001993868.4), dbSNP rs2533550379, ClinGen allele CA364720290.

ClinVar aggregate classification (germline): Uncertain significance (1 of 4 stars; one submission).

Conditions:
Salla disease (SD). Also called: Less Severe FSASD (Salla Disease); Sialuria, Finnish type; N-acetylneuraminic acid (NANA) storage disease (NSD); Infantile sialic acid storage disorder (ISSD). Identifiers: Orphanet 309334, Orphanet 834, MedGen C1096903, MONDO:0011449, OMIM 604369.

Submission:

Labcorp Genetics (formerly Invitae), Labcorp
Classification: Uncertain significance for Salla disease. Last evaluated: 2026-01-19. Review status: criteria provided, single submitter. Criteria: Invitae Variant Classification Sherloc (09022015). Collection method: clinical testing. Allele origin: germline.
Comment: This sequence change replaces proline, which is neutral and non-polar, with alanine, which is neutral and non-polar, at codon 4 of the SLC17A5 protein (p.Pro4Ala). This variant is not present in population databases (gnomAD no frequency). This variant has not been reported in the literature in individuals affected with SLC17A5-related conditions. ClinVar contains an entry for this variant (Variation ID: 1993868). Invitae Evidence Modeling of protein sequence and biophysical properties (such as structural, functional, and spatial information, amino acid conservation, physicochemical variation, residue mobility, and thermodynamic stability) indicates that this missense variant is not expected to disrupt SLC17A5 protein function with a negative predictive value of 95%. In summary, the available evidence is currently insufficient to determine the role of this variant in disease. Therefore, it has been classified as a Variant of Uncertain Significance.